The following is an entry in ClinVar:

ClinVar aggregate classification (germline): Uncertain significance. Review status: criteria provided, single submitter (1 of 4 stars). 2 submissions from 2 submitters: Uncertain significance (1). 1 of the submissions does not count toward it. Last evaluated 2022-08-23.

Conditions:
Sialuria. Also called: SIALURIA, FRENCH TYPE; Sialic Acid Storage Disease. Identifiers: Orphanet 3166, MedGen C0342853, MONDO:0010028, OMIM 269921.
GNE myopathy (NM). Also called: IBM 2; Inclusion body myopathy autosomal recessive; Inclusion body myopathy quadriceps sparing; NONAKA DISTAL MYOPATHY; INCLUSION BODY MYOPATHY, HEREDITARY, AUTOSOMAL RECESSIVE; INCLUSION BODY MYOPATHY 2, AUTOSOMAL RECESSIVE. Identifiers: Orphanet 602, MedGen C1853926, MONDO:0011603, OMIM 605820.

Allele frequency attached by ClinVar (database versions not stated): gnomAD exomes below 0.00001 and 0.00001; TOPMed 0.00001.

Submissions (2):

Labcorp Genetics (formerly Invitae), Labcorp
Classification: Uncertain significance for Sialuria; GNE myopathy. Last evaluated: 2022-08-23. Review status: criteria provided, single submitter. Criteria: Invitae Variant Classification Sherloc (09022015). Collection method: clinical testing. Allele origin: germline.
Comment: This sequence change replaces valine, which is neutral and non-polar, with isoleucine, which is neutral and non-polar, at codon 74 of the GNE protein (p.Val74Ile). This variant is present in population databases (no rsID available, gnomAD 0.01%). This variant has not been reported in the literature in individuals affected with GNE-related conditions. ClinVar contains an entry for this variant (Variation ID: 553782). Advanced modeling of protein sequence and biophysical properties (such as structural, functional, and spatial information, amino acid conservation, physicochemical variation, residue mobility, and thermodynamic stability) performed at Invitae indicates that this missense variant is not expected to disrupt GNE protein function. In summary, the available evidence is currently insufficient to determine the role of this variant in disease. Therefore, it has been classified as a Variant of Uncertain Significance.

Counsyl
Classification: Uncertain significance for GNE myopathy. Last evaluated: 2017-11-14. Review status: no assertion criteria provided. Collection method: clinical testing. Allele origin: unknown. Not counted in ClinVar's aggregate classification.

NM_005476.7(GNE):c.127G>A (p.Val43Ile)

Gene: GNE (glucosamine (UDP-N-acetyl)-2-epimerase/N-acetylmannosamine kinase; minus strand). Cytogenetic location: 9p13.3.
Variant type: single nucleotide variant.
Coding change: c.127G>A on transcript NM_005476.7 (MANE Select); coding-DNA position 127, G replaced by A.
Protein change: p.Val43Ile; replaces valine 43 with isoleucine.
Molecular consequence: missense variant. On other transcripts: intron variant (3).
Genome position (GRCh38, 1-based): chr9:36,249,229, C>T on the plus strand (G>A on the coding strand, the complement: GNE is on the minus strand). VCF-style: chr9-36249229-C-T. GRCh37 (hg19) VCF-style: chr9-36249226-C-T.
Other names: c.220G>A, p.Val74Ile (NM_001128227.3); c.127G>A, p.Val43Ile (NM_001190383.3, NM_001374797.1); c.-13-2747G>A (NM_001190388.2, NM_001190384.3, NM_001374798.1); short protein forms V43I, V74I.
Identifiers: ClinVar variation 553782 (VCV000553782.4), dbSNP rs1223454836, ClinGen allele CA373421704.